The following is an entry in ClinVar:

ClinVar aggregate classification (germline): Uncertain significance (1 of 4 stars; one submission).

Conditions:
Malignant hyperthermia, susceptibility to, 5 (MHS5). Also called: CACNA1S-Related Malignant Hyperthermia Susceptibility. Identifiers: Orphanet 423, MedGen C1866077, MONDO:0011163, OMIM 601887.

Submission:

Color Diagnostics, LLC DBA Color Health
Classification: Uncertain significance for Malignant hyperthermia, susceptibility to, 5. Last evaluated: 2025-05-20. Review status: criteria provided, single submitter. Criteria: ACMG Guidelines, 2015. Collection method: clinical testing. Allele origin: germline.
Comment: This missense variant replaces glycine with cysteine at codon 263 of the CACNA1S protein. Computational prediction is inconclusive regarding the impact of this variant on protein structure and function. To our knowledge, functional studies have not been reported for this variant. This variant has not been reported in individuals affected with CACNA1S-related disorders in the literature. This variant has not been identified in the general population by the Genome Aggregation Database (gnomAD). The available evidence is insufficient to determine the role of this variant in disease conclusively. Therefore, this variant is classified as a Variant of Uncertain Significance.

NM_000069.3(CACNA1S):c.787G>T (p.Gly263Cys)

Gene: CACNA1S (calcium voltage-gated channel subunit alpha1 S; minus strand). Cytogenetic location: 1q32.1.
Variant type: single nucleotide variant.
Coding change: c.787G>T on transcript NM_000069.3 (MANE Select); coding-DNA position 787, G replaced by T.
Protein change: p.Gly263Cys; replaces glycine 263 with cysteine.
Molecular consequence: missense variant.
Genome position (GRCh38, 1-based): chr1:201,089,371, C>A on the plus strand (G>T on the coding strand, the complement: CACNA1S is on the minus strand). VCF-style: chr1-201089371-C-A. GRCh37 (hg19) VCF-style: chr1-201058499-C-A.
Other names: short protein forms G263C.
Identifiers: ClinVar variation 4758728 (VCV004758728.1).
Genomic context (GRCh38, chr1:201,089,371, plus strand): 5'-GCATGGAGAAGCCGAAGTTGTCGAAGTGGGTGATGCCATGGTTGGGCCCTGGCCAGCCGC[C>A]CCGGCACTCACTGCCATTGATGGTGCACCGGCGCCCTGAGCCCGTCCTGGCGCAGGGCGA-3'
Protein context (NP_000060.2, residues 253-273): RCTINGSECR[Gly263Cys]GWPGPNHGIT